The following is an entry in ClinVar:

NM_000111.3(SLC26A3):c.-3_13del (p.Met1fs)

Gene: SLC26A3 (solute carrier family 26 member 3; minus strand). Cytogenetic location: 7q22.3.
Variant type: Deletion.
Coding change: c.-3_13del on transcript NM_000111.3 (MANE Select); 3 bases upstream of the start codon through coding-DNA position 13, 16 bases deleted (AAAATGATTGAACCCT).
Protein change: p.Met1fs; shifts the reading frame from methionine 1.
Molecular consequence: frameshift variant, initiator codon variant.
Genome position (GRCh38, 1-based): chr7:107,794,497-107,794,512, AGGGTTCAATCATTTT deleted on the plus strand (AAAATGATTGAACCCT on the coding strand, the reverse complement: SLC26A3 is on the minus strand). VCF-style (leftmost placement, unchanged base first): chr7-107794496-AAGGGTTCAATCATTTT-A. GRCh37 (hg19) VCF-style: chr7-107434941-AAGGGTTCAATCATTTT-A.
Other names: short protein forms M1fs.
Identifiers: ClinVar variation 2995866 (VCV002995866.4), dbSNP rs2535478180, ClinGen allele CA2684475653.
Genomic context (GRCh38, chr7:107,794,496, plus strand): 5'-TGATTTTCCTCAAAAGCATTTGTAGAATACACTGGCCTGGCCACAATATACTGATTCCCA[AAGGGTTCAATCATTTT>A]GATTTTTCTGTTGGCTGTGGCAAGTTGAAGACCTTTGCAACTATGTGGTGAACACTTCTT-3'

ClinVar aggregate classification (germline): Pathogenic/Likely pathogenic. Review status: criteria provided, multiple submitters, no conflicts (2 of 4 stars). 2 submissions from 2 submitters: Pathogenic (1); Likely pathogenic (1). Last evaluated 2024-06-16.

Conditions:
Congenital secretory diarrhea, chloride type (DIAR1). Also called: CHLORIDE DIARRHEA, CONGENITAL, FINNISH TYPE; CHLORIDORRHEA, CONGENITAL; DIARRHEA 1, SECRETORY CHLORIDE, CONGENITAL. Identifiers: Orphanet 53689, MedGen C0267662, MONDO:0008964, OMIM 214700.

Allele frequency attached by ClinVar (database versions not stated): gnomAD exomes 0.00001.

Submissions (2):

Fulgent Genetics
Classification: Likely pathogenic for Congenital secretory diarrhea, chloride type. Last evaluated: 2024-06-16. Review status: criteria provided, single submitter. Criteria: ACMG Guidelines, 2015. Collection method: clinical testing. Allele origin: germline.

Labcorp Genetics (formerly Invitae), Labcorp
Classification: Pathogenic. Last evaluated: 2023-03-04. Review status: criteria provided, single submitter. Criteria: Invitae Variant Classification Sherloc (09022015). Collection method: clinical testing. Allele origin: germline.
Comment: This variant disrupts a region of the SLC26A3 protein in which other variant(s) (p.Gly120Ser) have been determined to be pathogenic (PMID: 9554749, 11524734, 28644346). This suggests that this is a clinically significant region of the protein, and that variants that disrupt it are likely to be disease-causing. This sequence change affects the initiator methionine of the SLC26A3 mRNA. The next in-frame methionine is located at codon 135. This variant is not present in population databases (gnomAD no frequency). This variant has not been reported in the literature in individuals affected with SLC26A3-related conditions. For these reasons, this variant has been classified as Pathogenic.

Literature cited by the submitters: PubMed 9554749 (cited by Labcorp Genetics (formerly Invitae), Labcorp); PubMed 11524734 (cited by Labcorp Genetics (formerly Invitae), Labcorp); PubMed 28644346 (cited by Labcorp Genetics (formerly Invitae), Labcorp).